The following is an entry in ClinVar:

NM_000222.3(KIT):c.1912A>C (p.Met638Leu)

Gene: KIT (KIT proto-oncogene, receptor tyrosine kinase; plus strand). Cytogenetic location: 4q12.
Variant type: single nucleotide variant.
Coding change: c.1912A>C on transcript NM_000222.3 (MANE Select); coding-DNA position 1912, A replaced by C.
Protein change: p.Met638Leu; replaces methionine 638 with leucine.
Molecular consequence: missense variant.
Genome position (GRCh38, 1-based): chr4:54,728,043, A>C. VCF-style: chr4-54728043-A-C. GRCh37 (hg19) VCF-style: chr4-55594209-A-C.
Other names: c.1900A>C, p.Met634Leu (NM_001093772.2, NM_001385286.1); c.1915A>C, p.Met639Leu (NM_001385284.1, NM_001385290.1); c.1912A>C, p.Met638Leu (NM_001385285.1); c.1903A>C, p.Met635Leu (NM_001385288.1, NM_001385292.1); short protein forms M634L, M635L, M638L, M639L.
Identifiers: ClinVar variation 1716574 (VCV001716574.7), dbSNP rs1177837541, ClinGen allele CA356908523.

ClinVar aggregate classification (germline): Uncertain significance. Review status: criteria provided, multiple submitters, no conflicts (2 of 4 stars). 2 submissions from 2 submitters: Uncertain significance (2). Last evaluated 2024-12-20.

Conditions:
Hereditary cancer-predisposing syndrome. Also called: Tumor predisposition; Neoplastic Syndromes, Hereditary; Hereditary Cancer Syndrome; Hereditary neoplastic syndrome. Identifiers: Orphanet 140162, MedGen C0027672, MeSH D009386, MONDO:0015356.
Gastrointestinal stromal tumor. Also called: Gastrointestinal stroma tumor; Gastrointestinal stromal tumor, somatic. Identifiers: Orphanet 44890, MedGen C0238198, MeSH D046152, MONDO:0011719, OMIM 606764, HP:0100723.

Submissions (2):

Ambry Genetics
Classification: Uncertain significance for Hereditary cancer-predisposing syndrome. Last evaluated: 2024-12-20. Review status: criteria provided, single submitter. Criteria: Ambry Variant Classification Scheme 2023. Collection method: clinical testing. Allele origin: germline.
Comment: The p.M638L variant (also known as c.1912A>C), located in coding exon 13 of the KIT gene, results from an A to C substitution at nucleotide position 1912. The methionine at codon 638 is replaced by leucine, an amino acid with highly similar properties. This amino acid position is conserved. In addition, the in silico prediction for this alteration is inconclusive. Based on the available evidence, the clinical significance of this variant remains unclear.

Labcorp Genetics (formerly Invitae), Labcorp
Classification: Uncertain significance for Gastrointestinal stromal tumor. Last evaluated: 2022-08-16. Review status: criteria provided, single submitter. Criteria: Invitae Variant Classification Sherloc (09022015). Collection method: clinical testing. Allele origin: germline.
Comment: In summary, the available evidence is currently insufficient to determine the role of this variant in disease. Therefore, it has been classified as a Variant of Uncertain Significance. Algorithms developed to predict the effect of missense changes on protein structure and function are either unavailable or do not agree on the potential impact of this missense change (SIFT: "Deleterious"; PolyPhen-2: "Probably Damaging"; Align-GVGD: "Class C0"). This variant has not been reported in the literature in individuals affected with KIT-related conditions. This variant is not present in population databases (gnomAD no frequency). This sequence change replaces methionine, which is neutral and non-polar, with leucine, which is neutral and non-polar, at codon 638 of the KIT protein (p.Met638Leu).